The following is an entry in ClinVar:

NM_004260.4(RECQL4):c.3589G>T (p.Gly1197Cys)

Gene: RECQL4 (RecQ like helicase 4; minus strand). Cytogenetic location: 8q24.3.
Variant type: single nucleotide variant.
Coding change: c.3589G>T on transcript NM_004260.4 (MANE Select); coding-DNA position 3589, G replaced by T.
Protein change: p.Gly1197Cys; replaces glycine 1197 with cysteine.
Molecular consequence: missense variant.
Genome position (GRCh38, 1-based): chr8:144,511,469, C>A on the plus strand (G>T on the coding strand, the complement: RECQL4 is on the minus strand). VCF-style: chr8-144511469-C-A. GRCh37 (hg19) VCF-style: chr8-145736852-C-A.
Other names: short protein forms G1197C.
Identifiers: ClinVar variation 950339 (VCV000950339.5), dbSNP rs1333144821, ClinGen allele CA372665680.

ClinVar aggregate classification (germline): Uncertain significance (1 of 4 stars; one submission).

Conditions:
Baller-Gerold syndrome (BGS). Also called: CRANIOSYNOSTOSIS WITH RADIAL DEFECTS. Identifiers: Orphanet 1225, MedGen C0265308, MONDO:0009039, OMIM 218600.

gnomAD v4.1: 1 of 1,612,540 alleles (0.000062%); highest among the groups gnomAD compares: Non-Finnish European, 0.000085%; no homozygotes.

Submission:

Labcorp Genetics (formerly Invitae), Labcorp
Classification: Uncertain significance for Baller-Gerold syndrome. Last evaluated: 2019-05-14. Review status: criteria provided, single submitter. Criteria: Invitae Variant Classification Sherloc (09022015). Collection method: clinical testing. Allele origin: germline.
Comment: In summary, the available evidence is currently insufficient to determine the role of this variant in disease. Therefore, it has been classified as a Variant of Uncertain Significance. Algorithms developed to predict the effect of missense changes on protein structure and function are either unavailable or do not agree on the potential impact of this missense change (SIFT: "Deleterious"; PolyPhen-2: "Not Available"; Align-GVGD: "Class 15"). This variant has not been reported in the literature in individuals with RECQL4-related conditions. This variant is not present in population databases (ExAC no frequency). This sequence change replaces glycine with cysteine at codon 1197 of the RECQL4 protein (p.Gly1197Cys). The glycine residue is weakly conserved and there is a large physicochemical difference between glycine and cysteine.